The following is an entry in ClinVar:

NM_002181.4(IHH):c.217del (p.Arg73fs)

Gene: IHH (Indian hedgehog signaling molecule; minus strand). Cytogenetic location: 2q35.
Variant type: Deletion.
Coding change: c.217del on transcript NM_002181.4 (MANE Select); coding-DNA position 217, one base deleted (C; older notation c.217delC).
Protein change: p.Arg73fs; shifts the reading frame from arginine 73.
Molecular consequence: frameshift variant.
Genome position (GRCh38, 1-based): chr2:219,060,251, G deleted on the plus strand (C on the coding strand, the reverse complement: IHH is on the minus strand). VCF-style (leftmost placement, unchanged base first): chr2-219060250-CG-C. GRCh37 (hg19) VCF-style: chr2-219924972-CG-C.
Other names: short protein forms R73fs.
Identifiers: ClinVar variation 3727608 (VCV003727608.2).

ClinVar aggregate classification (germline): Pathogenic (1 of 4 stars; one submission).

Submission:

Labcorp Genetics (formerly Invitae), Labcorp
Classification: Pathogenic. Last evaluated: 2025-01-30. Review status: criteria provided, single submitter. Criteria: Invitae Variant Classification Sherloc (09022015). Collection method: clinical testing. Allele origin: germline.
Comment: This sequence change creates a premature translational stop signal (p.Arg73Alafs*31) in the IHH gene. It is expected to result in an absent or disrupted protein product. Loss-of-function variants in IHH are known to be pathogenic (PMID: 11455389, 19277064). This variant is not present in population databases (gnomAD no frequency). This variant has not been reported in the literature in individuals affected with IHH-related conditions. For these reasons, this variant has been classified as Pathogenic.

Literature cited by the submitters: PubMed 11455389; PubMed 19277064.